The following is an entry in ClinVar:

ClinVar aggregate classification (germline): Uncertain significance. Review status: criteria provided, multiple submitters, no conflicts (2 of 4 stars). 2 submissions from 2 submitters: Uncertain significance (2). Last evaluated 2024-01-09.

Conditions:
Mitochondrial hypertrophic cardiomyopathy with lactic acidosis due to MTO1 deficiency. Also called: Combined oxidative phosphorylation deficiency 10; CARDIOMYOPATHY, INFANTILE HYPERTROPHIC MITOCHONDRIAL, AND LACTIC ACIDOSIS. Identifiers: Orphanet 314637, MedGen C4749921, MONDO:0013865, OMIM 614702.
Inborn genetic diseases. Identifiers: MedGen C0950123, MeSH D030342.

Allele frequency attached by ClinVar (database versions not stated): gnomAD exomes 0.00001 and 0.00002; gnomAD 0.00003 and 0.00004; TOPMed 0.00003.

Submissions (2):

Ambry Genetics
Classification: Uncertain significance for Inborn genetic diseases. Last evaluated: 2024-01-09. Review status: criteria provided, single submitter. Criteria: Ambry Variant Classification Scheme 2023. Collection method: clinical testing. Allele origin: germline.

Labcorp Genetics (formerly Invitae), Labcorp
Classification: Uncertain significance for Mitochondrial hypertrophic cardiomyopathy with lactic acidosis due to MTO1 deficiency. Last evaluated: 2022-07-25. Review status: criteria provided, single submitter. Criteria: Invitae Variant Classification Sherloc (09022015). Collection method: clinical testing. Allele origin: germline.
Comment: This sequence change replaces threonine, which is neutral and polar, with isoleucine, which is neutral and non-polar, at codon 412 of the MTO1 protein (p.Thr412Ile). This variant is present in population databases (no rsID available, gnomAD 0.02%). This variant has not been reported in the literature in individuals affected with MTO1-related conditions. ClinVar contains an entry for this variant (Variation ID: 1462847). Algorithms developed to predict the effect of missense changes on protein structure and function are either unavailable or do not agree on the potential impact of this missense change (SIFT: "Deleterious"; PolyPhen-2: "Probably Damaging"; Align-GVGD: "Class C0"). In summary, the available evidence is currently insufficient to determine the role of this variant in disease. Therefore, it has been classified as a Variant of Uncertain Significance.

NM_012123.4(MTO1):c.1235C>T (p.Thr412Ile)

Gene: MTO1 (mitochondrial tRNA translation optimization 1; plus strand). Cytogenetic location: 6q13.
Variant type: single nucleotide variant.
Coding change: c.1235C>T on transcript NM_012123.4 (MANE Select); coding-DNA position 1235, C replaced by T.
Protein change: p.Thr412Ile; replaces threonine 412 with isoleucine.
Molecular consequence: missense variant.
Genome position (GRCh38, 1-based): chr6:73,480,780, C>T. VCF-style: chr6-73480780-C-T. GRCh37 (hg19) VCF-style: chr6-74190503-C-T.
Other names: c.1235C>T, p.Thr412Ile (NM_001123226.2); c.1310C>T, p.Thr437Ile (NM_133645.3); c.1235C>T (NM_001123226.1); short protein forms T412I, T437I.
Identifiers: ClinVar variation 1462847 (VCV001462847.4), dbSNP rs943998709, ClinGen allele CA140961933.